The following is an entry in ClinVar:

NM_015409.5(EP400):c.494G>T (p.Ser165Ile)

Gene: EP400 (E1A binding protein p400; plus strand). Cytogenetic location: 12q24.33.
Variant type: single nucleotide variant.
Coding change: c.494G>T on transcript NM_015409.5 (MANE Select); coding-DNA position 494, G replaced by T.
Protein change: p.Ser165Ile; replaces serine 165 with isoleucine.
Molecular consequence: missense variant.
Genome position (GRCh38, 1-based): chr12:131,961,113, G>T. VCF-style: chr12-131961113-G-T. GRCh37 (hg19) VCF-style: chr12-132445658-G-T.
Other names: short protein forms S165I.
Identifiers: ClinVar variation 3061714 (VCV003061714.2), dbSNP rs373104451, ClinGen allele CA387284783.

ClinVar aggregate classification (germline): Uncertain significance (0 of 4 stars; one submission).

Conditions:
EP400-related disorder. Also called: EP400-related condition.

Submission:

PreventionGenetics, part of Exact Sciences
Classification: Uncertain significance for EP400-related condition. Last evaluated: 2023-10-26. Review status: no assertion criteria provided. Collection method: clinical testing. Allele origin: germline.
Comment: The EP400 c.494G>T variant is predicted to result in the amino acid substitution p.Ser165Ile. To our knowledge, this variant has not been reported in the literature or in a large population database, indicating this variant is rare. At this time, the clinical significance of this variant is uncertain due to the absence of conclusive functional and genetic evidence.